The following is an entry in ClinVar:

NM_003620.4(PPM1D):c.1437dup (p.Lys480Ter)

Gene: PPM1D (protein phosphatase, Mg2+/Mn2+ dependent 1D; plus strand). Cytogenetic location: 17q23.2.
Variant type: Duplication.
Coding change: c.1437dup on transcript NM_003620.4 (MANE Select); coding-DNA position 1437, one base duplicated (T; older notation c.1437dupT).
Protein change: p.Lys480Ter; replaces lysine 480 with a stop codon.
Molecular consequence: nonsense.
Genome position (GRCh38, 1-based): chr17:60,663,171, T duplicated. VCF-style (leftmost placement, unchanged base first): chr17-60663170-C-CT. GRCh37 (hg19) VCF-style: chr17-58740531-C-CT.
Other names: c.1437dupT (NM_003620.3); short protein forms K480*.
Identifiers: ClinVar variation 440958 (VCV000440958.4), dbSNP rs769754801, ClinGen allele CA090923.

ClinVar aggregate classification (germline): Likely pathogenic (1 of 4 stars; one submission).

Allele frequency attached by ClinVar (database versions not stated): ExAC 0.00001.

Submission:

Labcorp Genetics (formerly Invitae), Labcorp
Classification: Likely pathogenic. Last evaluated: 2026-01-30. Review status: criteria provided, single submitter. Criteria: Invitae Variant Classification Sherloc (09022015). Collection method: clinical testing. Allele origin: germline.
Comment: This sequence change creates a premature translational stop signal (p.Lys480*) in the PPM1D gene. While this is not anticipated to result in nonsense mediated decay, it is expected to disrupt the last 126 amino acid(s) of the PPM1D protein. This variant is not present in population databases (gnomAD no frequency). This premature translational stop signal has been observed in individual(s) with clinical features of PPM1D-related conditions (internal data). In at least one individual the variant was observed to be de novo. ClinVar contains an entry for this variant (Variation ID: 440958). In summary, the currently available evidence indicates that the variant is pathogenic, but additional data are needed to prove that conclusively. Therefore, this variant has been classified as Likely Pathogenic.